The following is an entry in ClinVar:

ClinVar aggregate classification (germline): Uncertain significance (1 of 4 stars; one submission).

Conditions:
Autoimmune lymphoproliferative syndrome type 1. Also called: AUTOIMMUNE LYMPHOPROLIFERATIVE SYNDROME, TYPE I, AUTOSOMAL DOMINANT. Identifiers: Orphanet 3261, MedGen C2717884, MONDO:0011158, OMIM 601859.

gnomAD v4.1: 10 of 1,614,036 alleles (0.00062%); highest among the groups gnomAD compares: Non-Finnish European, 0.00085%; no homozygotes.

Submission:

Labcorp Genetics (formerly Invitae), Labcorp
Classification: Uncertain significance for Autoimmune lymphoproliferative syndrome. Last evaluated: 2024-10-17. Review status: criteria provided, single submitter. Criteria: Invitae Variant Classification Sherloc (09022015). Collection method: clinical testing. Allele origin: germline.
Comment: This sequence change replaces threonine, which is neutral and polar, with alanine, which is neutral and non-polar, at codon 123 of the FASLG protein (p.Thr123Ala). This variant is present in population databases (rs762222796, gnomAD 0.004%). This variant has not been reported in the literature in individuals affected with FASLG-related conditions. Invitae Evidence Modeling of protein sequence and biophysical properties (such as structural, functional, and spatial information, amino acid conservation, physicochemical variation, residue mobility, and thermodynamic stability) indicates that this missense variant is not expected to disrupt FASLG protein function with a negative predictive value of 80%. In summary, the available evidence is currently insufficient to determine the role of this variant in disease. Therefore, it has been classified as a Variant of Uncertain Significance.

NM_000639.3(FASLG):c.367A>G (p.Thr123Ala)

Gene: FASLG (Fas ligand; plus strand). Cytogenetic location: 1q24.3.
Variant type: single nucleotide variant.
Coding change: c.367A>G on transcript NM_000639.3 (MANE Select); coding-DNA position 367, A replaced by G.
Protein change: p.Thr123Ala; replaces threonine 123 with alanine.
Molecular consequence: missense variant. On other transcripts: intron variant (1).
Genome position (GRCh38, 1-based): chr1:172,660,113, A>G. VCF-style: chr1-172660113-A-G. GRCh37 (hg19) VCF-style: chr1-172629253-A-G.
Other names: c.348+564A>G (NM_001302746.2); short protein forms T123A.
Identifiers: ClinVar variation 3666588 (VCV003666588.2).